The following is an entry in ClinVar:

NM_000399.5(EGR2):c.451G>A (p.Val151Met)

Gene: EGR2 (early growth response 2; minus strand). Cytogenetic location: 10q21.3.
Variant type: single nucleotide variant.
Coding change: c.451G>A on transcript NM_000399.5 (MANE Select); coding-DNA position 451, G replaced by A.
Protein change: p.Val151Met; replaces valine 151 with methionine.
Molecular consequence: missense variant.
Genome position (GRCh38, 1-based): chr10:62,814,187, C>T on the plus strand (G>A on the coding strand, the complement: EGR2 is on the minus strand). VCF-style: chr10-62814187-C-T. GRCh37 (hg19) VCF-style: chr10-64573947-C-T.
Other names: c.451G>A, p.Val151Met (NM_001136177.3, NM_001136178.2); c.301G>A, p.Val101Met (NM_001136179.3, NM_001321037.2); short protein forms V151M, V101M.
Identifiers: ClinVar variation 955568 (VCV000955568.9), dbSNP rs1842202676, ClinGen allele CA377030532.
Genomic context (GRCh38, chr10:62,814,187, plus strand): 5'-GAGGCGGTGGCGGAGAGTACAGGTGGTCCAGGTCAGGCTGGGTCTGGGACATGGTGCACA[C>T]ACCCAGGGGTCCTGTGGCCAGTGGGTTGGGGGAGGCAGAGGTGACGCTGGATGAGGCTGT-3'
Protein context (NP_000390.2, residues 141-161): PNPLATGPLG[Val151Met]CTMSQTQPDL

ClinVar aggregate classification (germline): Uncertain significance. Review status: criteria provided, multiple submitters, no conflicts (2 of 4 stars). 2 submissions from 2 submitters: Uncertain significance (2). Last evaluated 2022-02-01.

Conditions:
Charcot-Marie-Tooth disease, type I (CMT1). Also called: Charcot-Marie-Tooth, Type 1; Charcot-Marie-Tooth disease type 1. Identifiers: Orphanet 65753, MedGen C0751036, MONDO:0019011.

Allele frequency attached by ClinVar (database versions not stated): gnomAD exomes below 0.00001; TOPMed below 0.00001.
gnomAD v4.1: 2 of 1,614,128 alleles (0.00012%); highest among the groups gnomAD compares: East Asian, 0.0022%; no homozygotes.

Submissions (2):

Labcorp Genetics (formerly Invitae), Labcorp
Classification: Uncertain significance for Charcot-Marie-Tooth disease, type I. Last evaluated: 2022-02-01. Review status: criteria provided, single submitter. Criteria: Invitae Variant Classification Sherloc (09022015). Collection method: clinical testing. Allele origin: germline.
Comment: Algorithms developed to predict the effect of missense changes on protein structure and function are either unavailable or do not agree on the potential impact of this missense change (SIFT: "Not Available"; PolyPhen-2: "Possibly Damaging"; Align-GVGD: "Not Available"). In summary, the available evidence is currently insufficient to determine the role of this variant in disease. Therefore, it has been classified as a Variant of Uncertain Significance. ClinVar contains an entry for this variant (Variation ID: 955568). This variant has not been reported in the literature in individuals affected with EGR2-related conditions. This variant is not present in population databases (gnomAD no frequency). This sequence change replaces valine, which is neutral and non-polar, with methionine, which is neutral and non-polar, at codon 151 of the EGR2 protein (p.Val151Met).

GeneDx
Classification: Uncertain significance. Last evaluated: 2019-11-21. Review status: criteria provided, single submitter. Criteria: GeneDx Variant Classification Process June 2021. Collection method: clinical testing. Allele origin: germline. Affected: yes.
Comment: Not observed in large population cohorts (Lek et al., 2016); In silico analysis, which includes protein predictors and evolutionary conservation, supports that this variant does not alter protein structure/function; Has not been previously published as pathogenic or benign to our knowledge